The following is an entry in ClinVar:

ClinVar aggregate classification (germline): Uncertain significance (1 of 4 stars; one submission).

Submission:

Labcorp Genetics (formerly Invitae), Labcorp
Classification: Uncertain significance. Last evaluated: 2022-08-29. Review status: criteria provided, single submitter. Criteria: Invitae Variant Classification Sherloc (09022015). Collection method: clinical testing. Allele origin: germline.
Comment: This variant is a gross deletion of the genomic region encompassing exon(s) 6 of the CHRNA7 gene. This variant would be expected to be in-frame, preserving the integrity of the reading frame. This variant has not been reported in the literature in individuals affected with CHRNA7-related conditions. Experimental studies and prediction algorithms are not available or were not evaluated, and the functional significance of this variant is currently unknown. In summary, the available evidence is currently insufficient to determine the role of this variant in disease. Therefore, it has been classified as a Variant of Uncertain Significance.

NC_000015.9:g.(?_32449809)_(32449976_?)del

Gene: CHRNA7 (cholinergic receptor nicotinic alpha 7 subunit). Cytogenetic location: 15q13.3.
Variant type: Deletion.
Identifiers: ClinVar variation 2423386 (VCV002423386.3).